The following is an entry in ClinVar:

NM_016734.3(PAX5):c.213-3T>C

Gene: PAX5 (paired box 5; minus strand). Cytogenetic location: 9p13.2.
Variant type: single nucleotide variant.
Coding change: c.213-3T>C on transcript NM_016734.3 (MANE Select); 3 bases into the intron before coding-DNA position 213, T replaced by C.
Molecular consequence: intron variant.
Genome position (GRCh38, 1-based): chr9:37,015,197, A>G on the plus strand (T>C on the coding strand, the complement: PAX5 is on the minus strand). VCF-style: chr9-37015197-A-G. GRCh37 (hg19) VCF-style: chr9-37015194-A-G.
Other names: c.-112-3T>C (NM_001280551.2, NM_001280556.2); c.212+5439T>C (NM_001280555.2); c.213-3T>C (NM_001280553.2, NM_001280554.2, NM_001280550.2 and 4 more transcripts).
Identifiers: ClinVar variation 4982261 (VCV004982261.1).
Genomic context (GRCh38, chr9:37,015,197, plus strand): 5'-GACCTTTGGTTTGGATCCTCCAATTACCCCAGGCTTGATGCTTCCTGTCTCATAATACCT[A>G]GGACCCAAAGAGAAAGAAGCTTAGCCATGAGGAACCAGTAAAGTGGATATTGGCAACAAA-3'

ClinVar aggregate classification (germline): Likely benign (1 of 4 stars; one submission).

Conditions:
PAX5-related disorder. Also called: PAX5-related condition.

gnomAD v4.1: 4 of 1,613,282 alleles (0.00025%); highest among the groups gnomAD compares: Non-Finnish European, 0.00034%; no homozygotes.

Submission:

PreventionGenetics, part of Exact Sciences
Classification: Likely benign for PAX5-related condition. Last evaluated: 2025-09-22. Review status: criteria provided, single submitter. Criteria: ACMG Guidelines, 2015. Collection method: clinical testing. Allele origin: germline.
Comment: This variant is classified as likely benign based on ACMG/AMP sequence variant interpretation guidelines (Richards et al. 2015 PMID: 25741868, with internal and published modifications).